The following is an entry in ClinVar:

NM_000372.5(TYR):c.638T>C (p.Leu213Pro)

Gene: TYR (tyrosinase; plus strand). Cytogenetic location: 11q14.3.
Variant type: single nucleotide variant.
Coding change: c.638T>C on transcript NM_000372.5 (MANE Select); coding-DNA position 638, T replaced by C.
Protein change: p.Leu213Pro; replaces leucine 213 with proline.
Molecular consequence: missense variant.
Genome position (GRCh38, 1-based): chr11:89,178,591, T>C. VCF-style: chr11-89178591-T-C. GRCh37 (hg19) VCF-style: chr11-88911759-T-C.
Other names: short protein forms L213P.
Identifiers: ClinVar variation 3061191 (VCV003061191.2), dbSNP rs2496530164, ClinGen allele CA382035031.
Genomic context (GRCh38, chr11:89,178,591, plus strand): 5'-AAATCTGGAGAGACATTGATTTTGCCCATGAAGCACCAGCTTTTCTGCCTTGGCATAGAC[T>C]CTTCTTGTTGCGGTGGGAACAAGAAATCCAGAAGCTGACAGGAGATGAAAACTTCACTAT-3'
Protein context (NP_000363.1, residues 203-223): EAPAFLPWHR[Leu213Pro]FLLRWEQEIQ

ClinVar aggregate classification (germline): Uncertain significance (0 of 4 stars; one submission).

Conditions:
TYR-related disorder. Also called: TYR-related condition.

Submission:

PreventionGenetics, part of Exact Sciences
Classification: Uncertain significance for TYR-related condition. Last evaluated: 2024-01-26. Review status: no assertion criteria provided. Collection method: clinical testing. Allele origin: germline.
Comment: The TYR c.638T>C variant is predicted to result in the amino acid substitution p.Leu213Pro. To our knowledge, this variant has not been reported in the literature or in a large population database, indicating this variant is rare. At this time, the clinical significance of this variant is uncertain due to the absence of conclusive functional and genetic evidence.